The following is an entry in ClinVar:

NM_000214.3(JAG1):c.1654C>T (p.Pro552Ser)

Gene: JAG1 (jagged canonical Notch ligand 1; minus strand). Cytogenetic location: 20p12.2.
Variant type: single nucleotide variant.
Coding change: c.1654C>T on transcript NM_000214.3 (MANE Select); coding-DNA position 1654, C replaced by T.
Protein change: p.Pro552Ser; replaces proline 552 with serine.
Molecular consequence: missense variant.
Genome position (GRCh38, 1-based): chr20:10,648,026, G>A on the plus strand (C>T on the coding strand, the complement: JAG1 is on the minus strand). VCF-style: chr20-10648026-G-A. GRCh37 (hg19) VCF-style: chr20-10628674-G-A.
Other names: c.1654C>T (NM_000214.2); short protein forms P552S.
Identifiers: ClinVar variation 2417955 (VCV002417955.7), dbSNP rs2514516623, ClinGen allele CA408236844.
Genomic context (GRCh38, chr20:10,648,026, plus strand): 5'-AGGGGGTCGTGCGGCAGTGGTCTTTCAGGTGTGAGCAGTTCTTGCCCTCATAGTCCTCGG[G>A]GCACTTGCAGAAATAGTCACTGGCACGGTTGTAGCACTGGGCACCGTTCTGGCAGGGATT-3'
Protein context (NP_000205.1, residues 542-562): NRASDYFCKC[Pro552Ser]EDYEGKNCSH

ClinVar aggregate classification (germline): Uncertain significance. Review status: criteria provided, multiple submitters, no conflicts (2 of 4 stars). 2 submissions from 2 submitters: Uncertain significance (2). Last evaluated 2026-08-31.

Conditions:
Alagille syndrome due to a JAG1 point mutation. Also called: Alagille Syndrome 1; HEPATIC DUCTULAR HYPOPLASIA, SYNDROMATIC; JAG1-Related Alagille Syndrome. Identifiers: Orphanet 261619, Orphanet 52, MedGen C1956125, MONDO:0016862, OMIM 118450.
JAG1-related disorder. Also called: JAG1-related condition; JAG1-related disorders.

Submissions (2):

PreventionGenetics, part of Exact Sciences
Classification: Uncertain significance for JAG1-related condition. Last evaluated: 2026-08-31. Review status: criteria provided, single submitter. Criteria: ACMG Guidelines, 2015. Collection method: clinical testing. Allele origin: germline.
Comment: The JAG1 c.1654C>T variant is predicted to result in the amino acid substitution p.Pro552Ser. To our knowledge, this variant has not been reported in the literature or in a large population database (gnomAD), indicating this variant is rare. At this time, the clinical significance of this variant is uncertain due to the absence of conclusive functional and genetic evidence.

Labcorp Genetics (formerly Invitae), Labcorp
Classification: Uncertain significance for Alagille syndrome due to a JAG1 point mutation. Last evaluated: 2024-01-24. Review status: criteria provided, single submitter. Criteria: Invitae Variant Classification Sherloc (09022015). Collection method: clinical testing. Allele origin: germline.
Comment: This sequence change replaces proline, which is neutral and non-polar, with serine, which is neutral and polar, at codon 552 of the JAG1 protein (p.Pro552Ser). This variant is not present in population databases (gnomAD no frequency). This variant has not been reported in the literature in individuals affected with JAG1-related conditions. ClinVar contains an entry for this variant (Variation ID: 2417955). Advanced modeling of protein sequence and biophysical properties (such as structural, functional, and spatial information, amino acid conservation, physicochemical variation, residue mobility, and thermodynamic stability) performed at Invitae indicates that this missense variant is not expected to disrupt JAG1 protein function with a negative predictive value of 95%. In summary, the available evidence is currently insufficient to determine the role of this variant in disease. Therefore, it has been classified as a Variant of Uncertain Significance.